The following is an entry in ClinVar:

NM_014946.4(SPAST):c.1321+2_1321+3insTT

Gene: SPAST (spastin; plus strand). Cytogenetic location: 2p22.3.
Variant type: Insertion.
Coding change: c.1321+2_1321+3insTT on transcript NM_014946.4 (MANE Select); the canonical splice donor site of the intron after coding-DNA position 1321 through 3 bases into the intron after coding-DNA position 1321, TT inserted.
Molecular consequence: splice donor variant.
Genome position: GRCh38 VCF-style: chr2-32136639-G-GTT. GRCh37 (hg19) VCF-style: chr2-32361708-G-GTT.
Other names: c.1225+2_1225+3insTT (NM_199436.2, NM_001377959.1); c.1318+2_1318+3insTT (NM_001363823.2); c.1222+2_1222+3insTT (NM_001363875.2).
Identifiers: ClinVar variation 2109293 (VCV002109293.4), dbSNP rs2465883250, ClinGen allele CA2580066406.

ClinVar aggregate classification (germline): Uncertain significance (1 of 4 stars; one submission).

Conditions:
Hereditary spastic paraplegia 4. Also called: Familial spastic paraplegia autosomal dominant 2; Spastic paraplegia 4, autosomal dominant; Spastic Paraplegia 4. Identifiers: Orphanet 100985, MedGen C1866855, MONDO:0008438, OMIM 182601.

Submission:

Labcorp Genetics (formerly Invitae), Labcorp
Classification: Uncertain significance for Hereditary spastic paraplegia 4. Last evaluated: 2022-03-11. Review status: criteria provided, single submitter. Criteria: Invitae Variant Classification Sherloc (09022015). Collection method: clinical testing. Allele origin: germline.
Comment: In summary, the available evidence is currently insufficient to determine the role of this variant in disease. Therefore, it has been classified as a Variant of Uncertain Significance. Variants that disrupt the consensus splice site are a relatively common cause of aberrant splicing (PMID: 17576681, 9536098). Algorithms developed to predict the effect of sequence changes on RNA splicing suggest that this variant may disrupt the consensus splice site. This variant has not been reported in the literature in individuals affected with SPAST-related conditions. This variant is not present in population databases (gnomAD no frequency). This sequence change falls in intron 10 of the SPAST gene. It does not directly change the encoded amino acid sequence of the SPAST protein. It affects a nucleotide within the consensus splice site.

Literature cited by the submitters: PubMed 17576681; PubMed 9536098.